The following is an entry in ClinVar:

NM_000540.3(RYR1):c.1597C>T (p.Arg533Cys)

Gene: RYR1 (ryanodine receptor 1; plus strand). Cytogenetic location: 19q13.2.
Variant type: single nucleotide variant.
Coding change: c.1597C>T on transcript NM_000540.3 (MANE Select); coding-DNA position 1597, C replaced by T.
Protein change: p.Arg533Cys; replaces arginine 533 with cysteine.
Molecular consequence: missense variant.
Genome position (GRCh38, 1-based): chr19:38,455,471, C>T. VCF-style: chr19-38455471-C-T. GRCh37 (hg19) VCF-style: chr19-38946111-C-T.
Other names: NM_000540.2(RYR1):c.1597C>T; c.1597C>T, p.Arg533Cys (NM_001042723.2); short protein forms R533C.
Identifiers: ClinVar variation 133102 (VCV000133102.18), dbSNP rs193922768, ClinGen allele CA024293.

ClinVar aggregate classification (germline): Pathogenic; drug response. Review status: reviewed by expert panel (3 of 4 stars). 16 submissions from 10 submitters: Pathogenic (1). 8 of the submissions do not count toward it. Last evaluated 2021-03-24.

Conditions:
RYR1-related disorder. Also called: RYR1-related disorders; RYR1-related condition. Identifiers: MedGen CN239331.
Congenital multicore myopathy with external ophthalmoplegia (CMYO1B). Also called: MULTICORE MYOPATHY; Minicore myopathy with external ophthalmoplegia; Congenital myopathy 1B, autosomal recessive; Minicore myopathy; MULTIMINICORE DISEASE WITH EXTERNAL OPHTHALMOPLEGIA. Identifiers: Orphanet 598, Orphanet 98905, MedGen C1850674, MONDO:0009712, OMIM 255320, HP:0003789.
King Denborough syndrome (KDS). Identifiers: MedGen C1840365, MONDO:0020485, OMIM 619542.
Central core myopathy (CMYO1A). Also called: Central core disease; Myopathy, central fibrillar; CONGENITAL MYOPATHY 1A, AUTOSOMAL DOMINANT, WITH SUSCEPTIBILITY TO MALIGNANT HYPERTHERMIA. Identifiers: Orphanet 597, MedGen C5830701, MONDO:0007294, OMIM 117000.
Malignant hyperthermia, susceptibility to, 1 (MHS1). Also called: RYR1-Related Malignant Hyperthermia Susceptibility; Malignant hyperthermia suceptibility 1; Anesthesia related hyperthermia; Malignant hyperpyrexia; Fulminating hyperpyrexia; Pharmacogenic myopathy. Identifiers: Orphanet 423, MedGen C2930980, MONDO:0007783, OMIM 145600.
Malignant hyperthermia of anesthesia. Also called: Anesthesic-triggered malignant hyperthermia. Identifiers: Orphanet 423, MedGen C0024591, MONDO:0018493, HP:0034733.
succinylcholine response - Toxicity.
sevoflurane response - Toxicity.
methoxyflurane response - Toxicity.
isoflurane response - Toxicity.
halothane response - Toxicity.
enflurane response - Toxicity.
desflurane response - Toxicity.

Allele frequency attached by ClinVar (database versions not stated): gnomAD exomes below 0.00001; TOPMed below 0.00001; gnomAD 0.00001.
gnomAD v4.1: 8 of 1,614,036 alleles (0.0005%); highest among the groups gnomAD compares: African/African-American, 0.0013%; no homozygotes.

Submissions 1 to 11 of 16:

ClinPGx
Classification: drug response for desflurane response - Toxicity. Last evaluated: 2021-03-24. Review status: reviewed by expert panel. Criteria: Pharmacogenomics knowledge for personalized medicine. Collection method: curation. Allele origin: germline. Affected: yes.
Comment: PharmGKB Level of Evidence 1A: Level 1A clinical annotations describe variant-drug combinations that have variant-specific prescribing guidance available in a current clinical guideline annotation or an FDA-approved drug label annotation. Annotations of drug labels or clinical guidelines must give prescribing guidance for specific variants (e.g. CYP2C9*3, HLA-B*57:01) or provide mapping from defined allele functions to diplotypes and phenotypes to be used as supporting evidence for a level 1A clinical annotation. Level 1A clinical annotations must also be supported by at least one publication in addition to a clinical guideline or drug label with variant-specific prescribing guidance.

Drug is not necessarily used to treat response condition

ClinPGx
Classification: drug response for enflurane response - Toxicity. Last evaluated: 2021-03-24. Review status: reviewed by expert panel. Criteria: Pharmacogenomics knowledge for personalized medicine. Collection method: curation. Allele origin: germline. Affected: yes.
Comment: the same text as in the submission from ClinPGx above.

ClinPGx
Classification: drug response for halothane response - Toxicity. Last evaluated: 2021-03-24. Review status: reviewed by expert panel. Criteria: Pharmacogenomics knowledge for personalized medicine. Collection method: curation. Allele origin: germline. Affected: yes.
Comment: the same text as in the submission from ClinPGx above.

ClinPGx
Classification: drug response for isoflurane response - Toxicity. Last evaluated: 2021-03-24. Review status: reviewed by expert panel. Criteria: Pharmacogenomics knowledge for personalized medicine. Collection method: curation. Allele origin: germline. Affected: yes.
Comment: the same text as in the submission from ClinPGx above.

ClinPGx
Classification: drug response for methoxyflurane response - Toxicity. Last evaluated: 2021-03-24. Review status: reviewed by expert panel. Criteria: Pharmacogenomics knowledge for personalized medicine. Collection method: curation. Allele origin: germline. Affected: yes.
Comment: the same text as in the submission from ClinPGx above.

ClinPGx
Classification: drug response for sevoflurane response - Toxicity. Last evaluated: 2021-03-24. Review status: reviewed by expert panel. Criteria: Pharmacogenomics knowledge for personalized medicine. Collection method: curation. Allele origin: germline. Affected: yes.
Comment: the same text as in the submission from ClinPGx above.

ClinPGx
Classification: drug response for succinylcholine response - Toxicity. Last evaluated: 2021-03-24. Review status: reviewed by expert panel. Criteria: Pharmacogenomics knowledge for personalized medicine. Collection method: curation. Allele origin: germline. Affected: yes.
Comment: the same text as in the submission from ClinPGx above.

ClinGen Malignant Hyperthermia Susceptibility Variant Curation Expert Panel, ClinGen
Classification: Pathogenic for Malignant hyperthermia, susceptibility to, 1. Last evaluated: 2021-03-17. Review status: reviewed by expert panel. Criteria: ClinGen MHS ACMG Specifications V1. Collection method: curation. Allele origin: germline. Inheritance: Autosomal dominant inheritance. Study: ClinGen.
Comment: This pathogenicity assessment is relevant only for malignant hyperthermia susceptibility (MHS) inherited in an autosomal dominant pattern. Variants in RYR1 can also cause other myopathies inherited in an autosomal dominant pattern or in an autosomal recessive pattern. Some of these disorders may predispose individuals to malignant hyperthermia. RYR1 variants may also contribute to a malignant hyperthermia reaction in combination with other genetic and non-genetic factors and the clinician needs to consider such factors in making management decisions. This sequence variant predicts a substitution of Arginine with Cysteine at codon 533 of the RYR1 protein, p.(Arg533Cys). This variant is not present in a large population database (gnomAD) at the time this variant was interpreted. This variant has been reported in an individual with a personal or family history of an MH episode and a positive in vitro contracture test (IVCT) or caffeine halothane contracture test (CHCT) result (if the proband was unavailable for testing, a positive diagnostic test result in a mutation-positive relative was counted), PS4_Supporting (PMID:12709367). Functional studies in HEK293 cells show an increased sensitivity to RYR1 agonists, PS3_Moderate (PMID:23459219). This variant resides in a region of RYR1 considered to be a hotspot for pathogenic variants that contribute to MHS, PM1 (PMID: 21118704). This variant segregates with MHS in 8 individuals PP1_Strong (PMID:12709367). A REVEL score >0.85 supports a pathogenic status for this variant, PP3_Moderate. This variant has been classified as Pathogenic. Criteria implemented: PS4_Supporting, PS3_Moderate, PM1, PP1_Strong, PP3_Moderate.

Labcorp Genetics (formerly Invitae), Labcorp
Classification: Pathogenic for RYR1-related disorder. Last evaluated: 2025-04-06. Review status: criteria provided, single submitter. Criteria: Invitae Variant Classification Sherloc (09022015). Collection method: clinical testing. Allele origin: germline. Not counted in ClinVar's aggregate classification.
Comment: This sequence change replaces arginine, which is basic and polar, with cysteine, which is neutral and slightly polar, at codon 533 of the RYR1 protein (p.Arg533Cys). This variant is not present in population databases (gnomAD no frequency). This missense change has been observed in individual(s) with malignant hyperthermia (PMID: 12709367). It has also been observed to segregate with disease in related individuals. ClinVar contains an entry for this variant (Variation ID: 133102). Invitae Evidence Modeling of protein sequence and biophysical properties (such as structural, functional, and spatial information, amino acid conservation, physicochemical variation, residue mobility, and thermodynamic stability) indicates that this missense variant is expected to disrupt RYR1 protein function with a positive predictive value of 95%. Experimental studies have shown that this missense change affects RYR1 function (PMID: 23459219). This variant disrupts the p.Arg533 amino acid residue in RYR1. Other variant(s) that disrupt this residue have been observed in individuals with RYR1-related conditions (PMID: 20681998), which suggests that this may be a clinically significant amino acid residue. For these reasons, this variant has been classified as Pathogenic.

GeneDx
Classification: Pathogenic. Last evaluated: 2024-12-04. Review status: criteria provided, single submitter. Criteria: GeneDx Variant Classification Process June 2021. Collection method: clinical testing. Allele origin: germline. Affected: yes. Not counted in ClinVar's aggregate classification.
Comment: Not observed at significant frequency in large population cohorts (gnomAD); Published functional studies suggest an increased sensitivity to a RYR1 agonist compared to wild-type controls, which is consistent with the mechanism for malignant hyperthermia (PMID: 23459219); In silico analysis supports that this missense variant has a deleterious effect on protein structure/function; This variant is associated with the following publications: (PMID: 30788618, 31903994, 23459219, 12709367, 33767344)

Fulgent Genetics
Classification: Pathogenic for Central core myopathy; Malignant hyperthermia, susceptibility to, 1; Congenital multicore myopathy with external ophthalmoplegia; King Denborough syndrome. Last evaluated: 2024-06-20. Review status: criteria provided, single submitter. Criteria: ACMG Guidelines, 2015. Collection method: clinical testing. Allele origin: germline. Not counted in ClinVar's aggregate classification.